The following is an entry in ClinVar:

NM_001963.6(EGF):c.1891C>T (p.Leu631Phe)

Gene: EGF (epidermal growth factor; plus strand). Cytogenetic location: 4q25.
Variant type: single nucleotide variant.
Coding change: c.1891C>T on transcript NM_001963.6 (MANE Select); coding-DNA position 1891, C replaced by T.
Protein change: p.Leu631Phe; replaces leucine 631 with phenylalanine.
Molecular consequence: missense variant.
Genome position (GRCh38, 1-based): chr4:109,976,073, C>T. VCF-style: chr4-109976073-C-T. GRCh37 (hg19) VCF-style: chr4-110897229-C-T.
Other names: c.1891C>T (NM_001963.4); c.1891C>T, p.Leu631Phe (NM_001178130.3); c.1765C>T, p.Leu589Phe (NM_001178131.3, NM_001357021.2); short protein forms L589F, L631F.
Identifiers: ClinVar variation 2040723 (VCV002040723.5), dbSNP rs142267084, ClinGen allele CA3043827.

ClinVar aggregate classification (germline): Uncertain significance. Review status: criteria provided, multiple submitters, no conflicts (2 of 4 stars). 2 submissions from 2 submitters: Uncertain significance (2). Last evaluated 2025-09-22.

Allele frequency attached by ClinVar (database versions not stated): gnomAD exomes 0.00004; ExAC 0.00018; gnomAD 0.00048; TOPMed 0.00064; ESP Exome Variant Server 0.00069.
gnomAD v4.1: 134 of 1,613,962 alleles (0.0083%); highest among the groups gnomAD compares: African/African-American, 0.16%; no homozygotes.

Submissions (2):

Labcorp Genetics (formerly Invitae), Labcorp
Classification: Uncertain significance. Last evaluated: 2025-09-22. Review status: criteria provided, single submitter. Criteria: Invitae Variant Classification Sherloc (09022015). Collection method: clinical testing. Allele origin: germline.
Comment: This sequence change replaces leucine, which is neutral and non-polar, with phenylalanine, which is neutral and non-polar, at codon 631 of the EGF protein (p.Leu631Phe). This variant is present in population databases (rs142267084, gnomAD 0.2%), and has an allele count higher than expected for a pathogenic variant. This variant has not been reported in the literature in individuals affected with EGF-related conditions. ClinVar contains an entry for this variant (Variation ID: 2040723). An algorithm developed to predict the effect of missense changes on protein structure and function outputs the following: PolyPhen-2: "Benign". The phenylalanine amino acid residue is found in multiple mammalian species, which suggests that this missense change does not adversely affect protein function. In summary, the available evidence is currently insufficient to determine the role of this variant in disease. Therefore, it has been classified as a Variant of Uncertain Significance.

Ambry Genetics
Classification: Uncertain significance. Last evaluated: 2025-02-01. Review status: criteria provided, single submitter. Criteria: Ambry Variant Classification Scheme 2023. Collection method: clinical testing. Allele origin: germline.